The following is an entry in ClinVar:

NM_003072.5(SMARCA4):c.978G>C (p.Met326Ile)

Gene: SMARCA4 (SWI/SNF related BAF chromatin remodeling complex subunit ATPase 4; plus strand). Cytogenetic location: 19p13.2.
Variant type: single nucleotide variant.
Coding change: c.978G>C on transcript NM_003072.5 (MANE Select); coding-DNA position 978, G replaced by C.
Protein change: p.Met326Ile; replaces methionine 326 with isoleucine.
Molecular consequence: missense variant. On other transcripts: non-coding transcript variant (1).
Genome position (GRCh38, 1-based): chr19:10,987,784, G>C. VCF-style: chr19-10987784-G-C. GRCh37 (hg19) VCF-style: chr19-11098460-G-C.
Other names: c.978G>C, p.Met326Ile (NM_001128844.3, NM_001128845.2, NM_001128846.2 and 4 more transcripts); short protein forms M326I.
Identifiers: ClinVar variation 969331 (VCV000969331.8), dbSNP rs1568426962, ClinGen allele CA404058565.
Genomic context (GRCh38, chr19:10,987,784, plus strand): 5'-GCCAACGGGCCGCCCTTCCCCCGCGCCCCCTGCCGTCCCACCCGCCGCCTCGCCCGTGAT[G>C]CCACCGCAGACCCAGTCCCCCGGGCAGCCGGCCCAGCCCGCGCCCATGGTGCCACTGCAC-3'
Protein context (NP_003063.2, residues 316-336): PAVPPAASPV[Met326Ile]PPQTQSPGQP

ClinVar aggregate classification (germline): Uncertain significance. Review status: criteria provided, multiple submitters, no conflicts (2 of 4 stars). 2 submissions from 2 submitters: Uncertain significance (2). Last evaluated 2025-10-01.

Conditions:
Rhabdoid tumor predisposition syndrome 2 (RTPS2). Identifiers: Orphanet 231108, Orphanet 69077, MedGen C2750074, MONDO:0013224, OMIM 613325.
Hereditary cancer-predisposing syndrome. Also called: Neoplastic Syndromes, Hereditary; Hereditary Cancer Syndrome; Tumor predisposition; Hereditary neoplastic syndrome. Identifiers: Orphanet 140162, MedGen C0027672, MeSH D009386, MONDO:0015356.

Submissions (2):

Labcorp Genetics (formerly Invitae), Labcorp
Classification: Uncertain significance for Rhabdoid tumor predisposition syndrome 2. Last evaluated: 2025-10-01. Review status: criteria provided, single submitter. Criteria: Invitae Variant Classification Sherloc (09022015). Collection method: clinical testing. Allele origin: germline.
Comment: This sequence change replaces methionine, which is neutral and non-polar, with isoleucine, which is neutral and non-polar, at codon 326 of the SMARCA4 protein (p.Met326Ile). This variant is not present in population databases (gnomAD no frequency). This variant has not been reported in the literature in individuals affected with SMARCA4-related conditions. ClinVar contains an entry for this variant (Variation ID: 969331). Invitae Evidence Modeling of protein sequence and biophysical properties (such as structural, functional, and spatial information, amino acid conservation, physicochemical variation, residue mobility, and thermodynamic stability) indicates that this missense variant is not expected to disrupt SMARCA4 protein function with a negative predictive value of 80%. In summary, the available evidence is currently insufficient to determine the role of this variant in disease. Therefore, it has been classified as a Variant of Uncertain Significance.

Ambry Genetics
Classification: Uncertain significance for Hereditary cancer-predisposing syndrome. Last evaluated: 2025-07-18. Review status: criteria provided, single submitter. Criteria: Ambry Variant Classification Scheme 2023. Collection method: clinical testing. Allele origin: germline.
Comment: The p.M326I variant (also known as c.978G>C), located in coding exon 5 of the SMARCA4 gene, results from a G to C substitution at nucleotide position 978. The methionine at codon 326 is replaced by isoleucine, an amino acid with highly similar properties. This amino acid position is conserved. In addition, the in silico prediction for this alteration is inconclusive. Based on the available evidence, the clinical significance of this variant remains unclear.